The following is an entry in ClinVar:

ClinVar aggregate classification (germline): Uncertain significance (1 of 4 stars; one submission).

Conditions:
Cardiovascular phenotype. Identifiers: MedGen CN230736.

Submission:

Ambry Genetics
Classification: Uncertain significance for Cardiovascular phenotype. Last evaluated: 2025-05-20. Review status: criteria provided, single submitter. Criteria: Ambry Variant Classification Scheme 2023. Collection method: clinical testing. Allele origin: germline.
Comment: The p.A1325T variant (also known as c.3973G>A) is located in coding exon 28 of the MYH7 gene. The alanine at codon 1325 is replaced by threonine, an amino acid with similar properties. This change occurs in the first base pair of coding exon 28. This variant was reported in individual(s) with features consistent with hypertrophic cardiomyopathy (HCM) (Magr&igrave; D et al. J Clin Med, 2020 May;9:[ePub ahead of print]). This amino acid position is highly conserved in available vertebrate species. In addition, the in silico prediction for this alteration is inconclusive. Based on the available evidence, the clinical significance of this variant remains unclear.

Literature cited by the submitters: PubMed 27483260; PubMed 32481709.

NM_000257.4(MYH7):c.3973G>A (p.Ala1325Thr)

Gene: MYH7 (myosin heavy chain 7; minus strand). Cytogenetic location: 14q11.2.
Variant type: single nucleotide variant.
Coding change: c.3973G>A on transcript NM_000257.4 (MANE Select); coding-DNA position 3973, G replaced by A.
Protein change: p.Ala1325Thr; replaces alanine 1325 with threonine.
Molecular consequence: missense variant.
Genome position (GRCh38, 1-based): chr14:23,418,406, C>T on the plus strand (G>A on the coding strand, the complement: MYH7 is on the minus strand). VCF-style: chr14-23418406-C-T. GRCh37 (hg19) VCF-style: chr14-23887615-C-T.
Other names: c.3973G>A, p.Ala1325Thr (NM_001407004.1); short protein forms A1325T.
Identifiers: ClinVar variation 3915633 (VCV003915633.1).